The following is an entry in ClinVar:

NM_005751.5(AKAP9):c.9748G>C (p.Glu3250Gln)

Gene: AKAP9 (A-kinase anchoring protein 9; plus strand). Cytogenetic location: 7q21.2.
Variant type: single nucleotide variant.
Coding change: c.9748G>C on transcript NM_005751.5 (MANE Select); coding-DNA position 9748, G replaced by C.
Protein change: p.Glu3250Gln; replaces glutamic acid 3250 with glutamine.
Molecular consequence: missense variant.
Genome position (GRCh38, 1-based): chr7:92,096,707, G>C. VCF-style: chr7-92096707-G-C. GRCh37 (hg19) VCF-style: chr7-91726021-G-C.
Other names: c.4393G>C, p.Glu1465Gln (NM_001379277.1); c.9724G>C, p.Glu3242Gln (NM_147185.3); short protein forms E3242Q, E1465Q, E3250Q.
Identifiers: ClinVar variation 1768062 (VCV001768062.2), dbSNP rs2535299154, ClinGen allele CA368151181.

ClinVar aggregate classification (germline): Uncertain significance (1 of 4 stars; one submission).

Conditions:
Cardiovascular phenotype. Identifiers: MedGen CN230736.

gnomAD v4.1: 3 of 1,613,902 alleles (0.00019%); highest among the groups gnomAD compares: Non-Finnish European, 0.00025%; no homozygotes.

Submission:

Ambry Genetics
Classification: Uncertain significance for Cardiovascular phenotype. Last evaluated: 2021-08-10. Review status: criteria provided, single submitter. Criteria: Ambry Variant Classification Scheme 2023. Collection method: clinical testing. Allele origin: germline.
Comment: The p.E3250Q variant (also known as c.9748G>C), located in coding exon 41 of the AKAP9 gene, results from a G to C substitution at nucleotide position 9748. The glutamic acid at codon 3250 is replaced by glutamine, an amino acid with highly similar properties. This amino acid position is conserved. In addition, this alteration is predicted to be tolerated by in silico analysis. Since supporting evidence is limited at this time, the clinical significance of this alteration remains unclear.